The following is an entry in ClinVar:

NM_000426.4(LAMA2):c.8723G>A (p.Gly2908Asp)

Gene: LAMA2 (laminin subunit alpha 2; plus strand). Cytogenetic location: 6q22.33.
Variant type: single nucleotide variant.
Coding change: c.8723G>A on transcript NM_000426.4 (MANE Select); coding-DNA position 8723, G replaced by A.
Protein change: p.Gly2908Asp; replaces glycine 2908 with aspartic acid.
Molecular consequence: missense variant.
Genome position (GRCh38, 1-based): chr6:129,507,508, G>A. VCF-style: chr6-129507508-G-A. GRCh37 (hg19) VCF-style: chr6-129828653-G-A.
Other names: c.8711G>A, p.Gly2904Asp (NM_001079823.2); short protein forms G2908D, G2904D.
Identifiers: ClinVar variation 2016798 (VCV002016798.4), dbSNP rs2533562403, ClinGen allele CA365635477.

ClinVar aggregate classification (germline): Uncertain significance (1 of 4 stars; one submission).

Conditions:
LAMA2-related muscular dystrophy (LAMA2-RD). Also called: Laminin alpha 2-related dystrophy. Identifiers: MedGen C5679788, MONDO:0100228.

Submission:

Labcorp Genetics (formerly Invitae), Labcorp
Classification: Uncertain significance for LAMA2-related muscular dystrophy. Last evaluated: 2022-07-13. Review status: criteria provided, single submitter. Criteria: Invitae Variant Classification Sherloc (09022015). Collection method: clinical testing. Allele origin: germline.
Comment: In summary, the available evidence is currently insufficient to determine the role of this variant in disease. Therefore, it has been classified as a Variant of Uncertain Significance. Advanced modeling of protein sequence and biophysical properties (such as structural, functional, and spatial information, amino acid conservation, physicochemical variation, residue mobility, and thermodynamic stability) performed at Invitae indicates that this missense variant is expected to disrupt LAMA2 protein function. This variant has not been reported in the literature in individuals affected with LAMA2-related conditions. This variant is not present in population databases (gnomAD no frequency). This sequence change replaces glycine, which is neutral and non-polar, with aspartic acid, which is acidic and polar, at codon 2908 of the LAMA2 protein (p.Gly2908Asp).